The following is an entry in ClinVar:

ClinVar aggregate classification (germline): Uncertain significance. Review status: criteria provided, multiple submitters, no conflicts (2 of 4 stars). 2 submissions from 2 submitters: Uncertain significance (2). Last evaluated 2023-01-20.

Conditions:
Inborn genetic diseases. Identifiers: MedGen C0950123, MeSH D030342.
Meckel-Gruber syndrome. Also called: DYSENCEPHALIA SPLANCHNOCYSTICA; GRUBER SYNDROME; Dysencephalia splachnocystica. Identifiers: Orphanet 564, MedGen C0265215, MONDO:0018921.
Joubert syndrome. Also called: CEREBELLOPARENCHYMAL DISORDER IV; JOUBERT-BOLTSHAUSER SYNDROME; Familial aplasia of the vermis. Identifiers: Orphanet 475, MedGen C5979921, MONDO:0018772.

Allele frequency attached by ClinVar (database versions not stated): gnomAD exomes below 0.00001; gnomAD 0.00001 and 0.00002; TOPMed 0.00002.
gnomAD v4.1: 2 of 1,613,918 alleles (0.00012%); highest among the groups gnomAD compares: African/African-American, 0.0027%; no homozygotes.

Submissions (2):

Ambry Genetics
Classification: Uncertain significance for Inborn genetic diseases. Last evaluated: 2023-01-20. Review status: criteria provided, single submitter. Criteria: Ambry Variant Classification Scheme 2023. Collection method: clinical testing. Allele origin: germline.

Labcorp Genetics (formerly Invitae), Labcorp
Classification: Uncertain significance for Joubert syndrome; Meckel-Gruber syndrome. Last evaluated: 2021-10-07. Review status: criteria provided, single submitter. Criteria: Invitae Variant Classification Sherloc (09022015). Collection method: clinical testing. Allele origin: germline.
Comment: This sequence change replaces isoleucine with valine at codon 57 of the TMEM67 protein (p.Ile57Val). The isoleucine residue is moderately conserved and there is a small physicochemical difference between isoleucine and valine. This variant is not present in population databases (ExAC no frequency). This variant has not been reported in the literature in individuals affected with TMEM67-related conditions. Algorithms developed to predict the effect of missense changes on protein structure and function output the following: SIFT: "Tolerated"; PolyPhen-2: "Benign"; Align-GVGD: "Class C0". The valine amino acid residue is found in multiple mammalian species, which suggests that this missense change does not adversely affect protein function. In summary, the available evidence is currently insufficient to determine the role of this variant in disease. Therefore, it has been classified as a Variant of Uncertain Significance.

NM_153704.6(TMEM67):c.169A>G (p.Ile57Val)

Gene: TMEM67 (transmembrane protein 67; plus strand). Cytogenetic location: 8q22.1.
Variant type: single nucleotide variant.
Coding change: c.169A>G on transcript NM_153704.6 (MANE Select); coding-DNA position 169, A replaced by G.
Protein change: p.Ile57Val; replaces isoleucine 57 with valine.
Molecular consequence: missense variant. On other transcripts: 5 prime UTR variant (1), non-coding transcript variant (1).
Genome position (GRCh38, 1-based): chr8:93,755,083, A>G. VCF-style: chr8-93755083-A-G. GRCh37 (hg19) VCF-style: chr8-94767311-A-G.
Other names: c.-116A>G (NM_001142301.1); c.169A>G (NM_153704.5); short protein forms I57V.
Identifiers: ClinVar variation 1484767 (VCV001484767.5), dbSNP rs1303516077, ClinGen allele CA371685392.